The following is an entry in ClinVar:

NM_000455.5(STK11):c.314T>G (p.Leu105Ter)

Gene: STK11 (serine/threonine kinase 11; plus strand). Cytogenetic location: 19p13.3.
Variant type: single nucleotide variant.
Coding change: c.314T>G on transcript NM_000455.5 (MANE Select); coding-DNA position 314, T replaced by G.
Protein change: p.Leu105Ter; replaces leucine 105 with a stop codon.
Molecular consequence: nonsense.
Genome position (GRCh38, 1-based): chr19:1,218,440, T>G. VCF-style: chr19-1218440-T-G. GRCh37 (hg19) VCF-style: chr19-1218439-T-G.
Other names: short protein forms L105*.
Identifiers: ClinVar variation 940388 (VCV000940388.7), dbSNP rs2080758521, ClinGen allele CA402947688.

ClinVar aggregate classification (germline): Pathogenic (1 of 4 stars; one submission).

Conditions:
Peutz-Jeghers syndrome (PJS). Also called: POLYPOSIS, HAMARTOMATOUS INTESTINAL; POLYPS-AND-SPOTS SYNDROME; Peutz-Jeghers polyposis; Periorificial lentiginosis syndrome. Identifiers: Orphanet 2869, MedGen C0031269, MeSH D010580, MONDO:0008280, OMIM 175200.

Submission:

Labcorp Genetics (formerly Invitae), Labcorp
Classification: Pathogenic for Peutz-Jeghers syndrome. Last evaluated: 2019-09-19. Review status: criteria provided, single submitter. Criteria: Invitae Variant Classification Sherloc (09022015). Collection method: clinical testing. Allele origin: germline.
Comment: This sequence change creates a premature translational stop signal (p.Leu105*) in the STK11 gene. It is expected to result in an absent or disrupted protein product. This variant is not present in population databases (ExAC no frequency). This variant has not been reported in the literature in individuals with STK11-related conditions. Loss-of-function variants in STK11 are known to be pathogenic (PMID: 15188174, 16287113). For these reasons, this variant has been classified as Pathogenic.

Literature cited by the submitters: PubMed 15188174; PubMed 16287113.